The following is an entry in ClinVar:

NM_001848.3(COL6A1):c.3077C>T (p.Ala1026Val)

Gene: COL6A1 (collagen type VI alpha 1 chain; plus strand). Cytogenetic location: 21q22.3.
Variant type: single nucleotide variant.
Coding change: c.3077C>T on transcript NM_001848.3 (MANE Select); coding-DNA position 3077, C replaced by T.
Protein change: p.Ala1026Val; replaces alanine 1026 with valine.
Molecular consequence: missense variant.
Genome position (GRCh38, 1-based): chr21:46,004,003, C>T. VCF-style: chr21-46004003-C-T. GRCh37 (hg19) VCF-style: chr21-47423917-C-T.
Other names: short protein forms A1026V.
Identifiers: ClinVar variation 1013647 (VCV001013647.10), dbSNP rs767414809, ClinGen allele CA10071122.

ClinVar aggregate classification (germline): Conflicting classifications of pathogenicity. Review status: criteria provided, conflicting classifications (1 of 4 stars). 3 submissions from 3 submitters: Uncertain significance (2); Benign (1). Last evaluated 2024-12-31.

Conditions:
Bethlem myopathy 1A. Also called: Bethlem Muscular Dystrophy; MYOPATHY, BENIGN CONGENITAL, WITH CONTRACTURES; Bethlem myopathy 1. Identifiers: Orphanet 610, MedGen CN029274, MONDO:0024530, OMIM 158810.

Allele frequency attached by ClinVar (database versions not stated): gnomAD 0.00001; gnomAD exomes 0.00001 and 0.00002; TOPMed 0.00001; ExAC 0.00002.
gnomAD v4.1: 16 of 1,612,970 alleles (0.00099%); highest among the groups gnomAD compares: South Asian, 0.0066%; no homozygotes.

Submissions (3):

Labcorp Genetics (formerly Invitae), Labcorp
Classification: Benign for Bethlem myopathy 1A. Last evaluated: 2024-12-31. Review status: criteria provided, single submitter. Criteria: Invitae Variant Classification Sherloc (09022015). Collection method: clinical testing. Allele origin: germline.

Women's Health and Genetics/Laboratory Corporation of America, LabCorp
Classification: Uncertain significance. Last evaluated: 2024-07-12. Review status: criteria provided, single submitter. Criteria: LabCorp Variant Classification Summary - May 2015. Collection method: clinical testing. Allele origin: germline.
Comment: Variant summary: COL6A1 c.3077C>T (p.Ala1026Val) results in a non-conservative amino acid change in the encoded protein sequence. Four of five in-silico tools predict a damaging effect of the variant on protein function. The variant allele was found at a frequency of 9.9e-06 in 1612970 control chromosomes (gnomAD database v4). This frequency is not significantly higher than estimated for a pathogenic variant in COL6A1 causing Ullrich Congenital Muscular Dystrophy 1, allowing no conclusion about variant significance. To our knowledge, no occurrence of c.3077C>T in individuals affected with Ullrich Congenital Muscular Dystrophy 1 and no experimental evidence demonstrating its impact on protein function have been reported. ClinVar contains an entry for this variant (Variation ID: 1013647). Based on the evidence outlined above, the variant was classified as uncertain significance.

Revvity Omics, Revvity
Classification: Uncertain significance. Last evaluated: 2023-05-14. Review status: criteria provided, single submitter. Criteria: ACMG Guidelines, 2015. Collection method: clinical testing. Allele origin: germline.